The following is an entry in ClinVar:

NM_024649.5(BBS1):c.141T>C (p.His47=)

Gene: BBS1 (Bardet-Biedl syndrome 1; plus strand). Cytogenetic location: 11q13.2.
Variant type: single nucleotide variant.
Coding change: c.141T>C on transcript NM_024649.5 (MANE Select); coding-DNA position 141, T replaced by C.
Protein change: p.His47=; no amino-acid change (histidine 47 retained).
Molecular consequence: synonymous variant.
Genome position (GRCh38, 1-based): chr11:66,511,221, T>C. VCF-style: chr11-66511221-T-C. GRCh37 (hg19) VCF-style: chr11-66278692-T-C.
Identifiers: ClinVar variation 3354307 (VCV003354307.1).

ClinVar aggregate classification (germline): Likely benign (0 of 4 stars; one submission).

Conditions:
BBS1-related disorder. Also called: BBS1-related condition.

gnomAD v4.1: 1 of 1,613,888 alleles (0.000062%); highest among the groups gnomAD compares: Non-Finnish European, 0.000085%; no homozygotes.

Submission:

PreventionGenetics, part of Exact Sciences
Classification: Likely benign for BBS1-related condition. Last evaluated: 2022-11-28. Review status: no assertion criteria provided. Collection method: clinical testing. Allele origin: germline.
Comment: This variant is classified as likely benign based on ACMG/AMP sequence variant interpretation guidelines (Richards et al. 2015 PMID: 25741868, with internal and published modifications).